The following is an entry in ClinVar:

ClinVar aggregate classification (germline): Conflicting classifications of pathogenicity. Review status: criteria provided, conflicting classifications (1 of 4 stars). 4 submissions from 4 submitters: Uncertain significance (1); Likely benign (2). 1 of the submissions does not count toward it. Last evaluated 2026-01-12.

Conditions:
COL9A2-related disorder. Also called: COL9A2-related condition.

Allele frequency attached by ClinVar (database versions not stated): 1000 Genomes Project 0.00020; ExAC 0.00029; gnomAD exomes 0.00030 and 0.00010; 1000 Genomes Project 30x 0.00031; TOPMed 0.00083; gnomAD 0.00087 and 0.00093; ESP Exome Variant Server 0.00123.
gnomAD v4.1: 283 of 1,613,992 alleles (0.018%); highest among the groups gnomAD compares: African/African-American, 0.26%; 1 homozygote.

Submissions (4):

Labcorp Genetics (formerly Invitae), Labcorp
Classification: Likely benign. Last evaluated: 2026-01-12. Review status: criteria provided, single submitter. Criteria: Invitae Variant Classification Sherloc (09022015). Collection method: clinical testing. Allele origin: germline.

GeneDx
Classification: Uncertain significance. Last evaluated: 2024-02-28. Review status: criteria provided, single submitter. Criteria: GeneDx Variant Classification Process June 2021. Collection method: clinical testing. Allele origin: germline. Affected: yes.
Comment: Has not been previously published as pathogenic or benign to our knowledge; In silico analysis supports that this missense variant has a deleterious effect on protein structure/function

Blueprint Genetics
Classification: Likely benign. Last evaluated: 2022-05-11. Review status: criteria provided, single submitter. Criteria: ACMG Guidelines, 2015. Collection method: clinical testing. Allele origin: germline.

PreventionGenetics, part of Exact Sciences
Classification: Likely benign for COL9A2-related condition. Last evaluated: 2024-03-20. Review status: no assertion criteria provided. Collection method: clinical testing. Allele origin: germline. Not counted in ClinVar's aggregate classification.
Comment: This variant is classified as likely benign based on ACMG/AMP sequence variant interpretation guidelines (Richards et al. 2015 PMID: 25741868, with internal and published modifications).

NM_001852.4(COL9A2):c.775G>A (p.Gly259Ser)

Gene: COL9A2 (collagen type IX alpha 2 chain; minus strand). Cytogenetic location: 1p34.2.
Variant type: single nucleotide variant.
Coding change: c.775G>A on transcript NM_001852.4 (MANE Select); coding-DNA position 775, G replaced by A.
Protein change: p.Gly259Ser; replaces glycine 259 with serine.
Molecular consequence: missense variant.
Genome position (GRCh38, 1-based): chr1:40,310,128, C>T on the plus strand (G>A on the coding strand, the complement: COL9A2 is on the minus strand). VCF-style: chr1-40310128-C-T. GRCh37 (hg19) VCF-style: chr1-40775800-C-T.
Other names: short protein forms G259S.
Identifiers: ClinVar variation 432240 (VCV000432240.18), dbSNP rs148362133, ClinGen allele CA791756.